The following is an entry in ClinVar:

NM_033026.6(PCLO):c.2812A>G (p.Ile938Val)

Gene: PCLO (piccolo presynaptic cytomatrix protein; minus strand). Cytogenetic location: 7q21.11.
Variant type: single nucleotide variant.
Coding change: c.2812A>G on transcript NM_033026.6 (MANE Select); coding-DNA position 2812, A replaced by G.
Protein change: p.Ile938Val; replaces isoleucine 938 with valine.
Molecular consequence: missense variant.
Genome position (GRCh38, 1-based): chr7:83,134,738, T>C on the plus strand (A>G on the coding strand, the complement: PCLO is on the minus strand). VCF-style: chr7-83134738-T-C. GRCh37 (hg19) VCF-style: chr7-82764054-T-C.
Other names: c.2812A>G, p.Ile938Val (NM_014510.3); c.2812A>G (NM_033026.5); short protein forms I938V.
Identifiers: ClinVar variation 1356662 (VCV001356662.5), dbSNP rs982946349, ClinGen allele CA161172088.

ClinVar aggregate classification (germline): Uncertain significance. Review status: criteria provided, multiple submitters, no conflicts (2 of 4 stars). 2 submissions from 2 submitters: Uncertain significance (2). Last evaluated 2023-06-23.

Conditions:
Inborn genetic diseases. Identifiers: MedGen C0950123, MeSH D030342.

Allele frequency attached by ClinVar (database versions not stated): gnomAD 0.00001; gnomAD exomes 0.00001; TOPMed 0.00002.
gnomAD v4.1: 16 of 1,613,798 alleles (0.00099%); highest among the groups gnomAD compares: East Asian, 0.0067%; no homozygotes.

Submissions (2):

Ambry Genetics
Classification: Uncertain significance for Inborn genetic diseases. Last evaluated: 2023-06-23. Review status: criteria provided, single submitter. Criteria: Ambry Variant Classification Scheme 2023. Collection method: clinical testing. Allele origin: germline.

Labcorp Genetics (formerly Invitae), Labcorp
Classification: Uncertain significance. Last evaluated: 2022-12-06. Review status: criteria provided, single submitter. Criteria: Invitae Variant Classification Sherloc (09022015). Collection method: clinical testing. Allele origin: germline.
Comment: This sequence change replaces isoleucine, which is neutral and non-polar, with valine, which is neutral and non-polar, at codon 938 of the PCLO protein (p.Ile938Val). This variant is present in population databases (no rsID available, gnomAD 0.008%). In summary, the available evidence is currently insufficient to determine the role of this variant in disease. Therefore, it has been classified as a Variant of Uncertain Significance. Algorithms developed to predict the effect of missense changes on protein structure and function are either unavailable or do not agree on the potential impact of this missense change (SIFT: "Deleterious"; PolyPhen-2: "Not Available"; Align-GVGD: "Class C0"). ClinVar contains an entry for this variant (Variation ID: 1356662). This variant has not been reported in the literature in individuals affected with PCLO-related conditions.